The following is an entry in ClinVar:

NM_006996.3(SLC19A2):c.1031-1G>A

Gene: SLC19A2 (solute carrier family 19 member 2; minus strand). Cytogenetic location: 1q24.2.
Variant type: single nucleotide variant.
Coding change: c.1031-1G>A on transcript NM_006996.3 (MANE Select); the canonical splice acceptor site of the intron before coding-DNA position 1031, G replaced by A.
Molecular consequence: splice acceptor variant.
Genome position (GRCh38, 1-based): chr1:169,468,837, C>T on the plus strand (G>A on the coding strand, the complement: SLC19A2 is on the minus strand). VCF-style: chr1-169468837-C-T. GRCh37 (hg19) VCF-style: chr1-169438075-C-T.
Other names: c.428-1G>A (NM_001319667.1).
Identifiers: ClinVar variation 4279645 (VCV004279645.1).

ClinVar aggregate classification (germline): Pathogenic (1 of 4 stars; one submission).

Conditions:
Possible mitochondrial disorder - nuclear genes.

Submission:

Genetics Laboratory, Great Ormond Street Hospital NHS Foundation Trust, North Thames Genomic Laboratory Hub
Classification: Pathogenic for Possible mitochondrial disorder - nuclear genes. Last evaluated: 2025-08-13. Review status: criteria provided, single submitter. Criteria: ACGS Best Practice Guidelines for Variant Classification in Rare Disease 2024 v1.2. Collection method: clinical testing. Allele origin: germline. Affected: yes.
Comment: PM2_moderate, PVS1_very-strong